The following is an entry in ClinVar:

ClinVar aggregate classification (germline): Uncertain significance (1 of 4 stars; one submission).

Allele frequency attached by ClinVar (database versions not stated): gnomAD exomes below 0.00001; TOPMed 0.00001; ExAC 0.00002; gnomAD 0.00002.
gnomAD v4.1: 11 of 1,612,588 alleles (0.00068%); highest among the groups gnomAD compares: East Asian, 0.0067%; no homozygotes.

Submission:

GeneDx
Classification: Uncertain significance. Last evaluated: 2022-09-01. Review status: criteria provided, single submitter. Criteria: GeneDx Variant Classification Process June 2021. Collection method: clinical testing. Allele origin: germline. Affected: yes.
Comment: In silico analysis supports that this missense variant has a deleterious effect on protein structure/function; Has not been previously published as pathogenic or benign to our knowledge

NM_025150.5(TARS2):c.1375G>A (p.Ala459Thr)

Gene: TARS2 (threonyl-tRNA synthetase 2, mitochondrial; plus strand). Cytogenetic location: 1q21.2.
Variant type: single nucleotide variant.
Coding change: c.1375G>A on transcript NM_025150.5 (MANE Select); coding-DNA position 1375, G replaced by A.
Protein change: p.Ala459Thr; replaces alanine 459 with threonine.
Molecular consequence: missense variant. On other transcripts: non-coding transcript variant (2).
Genome position (GRCh38, 1-based): chr1:150,498,638, G>A. VCF-style: chr1-150498638-G-A. GRCh37 (hg19) VCF-style: chr1-150471114-G-A.
Other names: c.1129G>A, p.Ala377Thr (NM_001271895.2); c.985G>A, p.Ala329Thr (NM_001271896.2); short protein forms A329T, A377T, A459T.
Identifiers: ClinVar variation 2442666 (VCV002442666.1), dbSNP rs766199721, ClinGen allele CA1076992.